The following is an entry in ClinVar:

ClinVar aggregate classification (germline): Likely benign. Review status: criteria provided, multiple submitters, no conflicts (2 of 4 stars). 2 submissions from 2 submitters: Likely benign (2). Last evaluated 2023-04-28.

Conditions:
Cardiomyopathy (CMYO). Also called: Cardiomyopathies. Identifiers: Orphanet 167848, MedGen C0878544, MONDO:0004994, HP:0001638. Inheritance: Various modes of inheritance.
Arrhythmogenic right ventricular cardiomyopathy (ARVD). Also called: Arrhythmogenic right ventricular dysplasia; Cardiomyopathy, ARVC; Arrhythmogenic cardiomyopathy; Arrhythmogenic Right Ventricular Cardiomyopathy (ARVC). Identifiers: Orphanet 247, MedGen C0349788, MeSH D019571, MONDO:0016587. Disease mechanism: loss of function. Inheritance: Various modes of inheritance.

Allele frequency attached by ClinVar (database versions not stated): gnomAD exomes below 0.00001.
gnomAD v4.1: 2 of 1,614,076 alleles (0.00012%); highest among the groups gnomAD compares: Non-Finnish European, 0.00017%; no homozygotes.

Submissions (2):

All of Us Research Program, National Institutes of Health
Classification: Likely benign for Arrhythmogenic right ventricular cardiomyopathy. Last evaluated: 2023-04-28. Review status: criteria provided, single submitter. Criteria: ACMG Guidelines, 2015. Collection method: clinical testing. Allele origin: germline. Inheritance: Autosomal dominant inheritance. Observed: 1 variant allele, 1 heterozygote.
Comment: This study involves interpretation of variants in research participants for the purpose of population health screening. Participant phenotype was not available at the time of variant classification. Additional details can be found in publication PMID: 35346344, PMCID: PMC8962531

Color Diagnostics, LLC DBA Color Health
Classification: Likely benign for Cardiomyopathy. Last evaluated: 2021-10-27. Review status: criteria provided, single submitter. Criteria: ACMG Guidelines, 2015. Collection method: clinical testing. Allele origin: germline.

NM_001005242.3(PKP2):c.1953C>T (p.Arg651=)

Gene: PKP2 (plakophilin 2; minus strand). Cytogenetic location: 12p11.21.
Variant type: single nucleotide variant.
Coding change: c.1953C>T on transcript NM_001005242.3 (MANE Select); coding-DNA position 1953, C replaced by T.
Protein change: p.Arg651=; no amino-acid change (arginine 651 retained).
Molecular consequence: synonymous variant.
Genome position (GRCh38, 1-based): chr12:32,821,416, G>A on the plus strand (C>T on the coding strand, the complement: PKP2 is on the minus strand). VCF-style: chr12-32821416-G-A. GRCh37 (hg19) VCF-style: chr12-32974350-G-A.
Other names: c.1953C>T, p.Arg651= (NM_001407155.1, NM_001407161.1); c.1788C>T, p.Arg596= (NM_001407156.1); c.2085C>T, p.Arg695= (NM_001407157.1, NM_004572.4); c.1626C>T, p.Arg542= (NM_001407158.1, NM_001407159.1, NM_001407160.1 and 1 more transcripts).
Identifiers: ClinVar variation 2774083 (VCV002774083.3), dbSNP rs2541229378, ClinGen allele CA479176110.
Genomic context (GRCh38, chr12:32,821,416, plus strand): 5'-TGGTCCACTTCCGGCCGTGAGGTTCTGCAGAGCTCCTAAGGATGCTTCTTGTGTGTAGTT[G>A]CGGACACTTTTGGCGATCAAGGACAGATACATCCTTATAACAATGGAATGCCACAGCCAC-3'
Protein context (NP_001005242.2, residues 641-661): MYLSLIAKSV[Arg651=]NYTQEASLGA